The following is an entry in ClinVar:

ClinVar aggregate classification (germline): Likely benign (0 of 4 stars; one submission).

Conditions:
NCKAP1-related disorder. Also called: NCKAP1-related condition.

Allele frequency attached by ClinVar (database versions not stated): gnomAD exomes below 0.00001.
gnomAD v4.1: 6 of 1,613,262 alleles (0.00037%); highest among the groups gnomAD compares: East Asian, 0.0022%; 1 homozygote.

Submission:

PreventionGenetics, part of Exact Sciences
Classification: Likely benign for NCKAP1-related condition. Last evaluated: 2023-08-08. Review status: no assertion criteria provided. Collection method: clinical testing. Allele origin: germline.
Comment: This variant is classified as likely benign based on ACMG/AMP sequence variant interpretation guidelines (Richards et al. 2015 PMID: 25741868, with internal and published modifications).

NM_013436.5(NCKAP1):c.1032G>A (p.Lys344=)

Gene: NCKAP1 (NCK associated protein 1; minus strand). Cytogenetic location: 2q32.1.
Variant type: single nucleotide variant.
Coding change: c.1032G>A on transcript NM_013436.5 (MANE Select); coding-DNA position 1032, G replaced by A.
Protein change: p.Lys344=; no amino-acid change (lysine 344 retained).
Molecular consequence: synonymous variant.
Genome position (GRCh38, 1-based): chr2:182,983,355, C>T on the plus strand (G>A on the coding strand, the complement: NCKAP1 is on the minus strand). VCF-style: chr2-182983355-C-T. GRCh37 (hg19) VCF-style: chr2-183848083-C-T.
Other names: c.1050G>A, p.Lys350= (NM_205842.3).
Identifiers: ClinVar variation 3030023 (VCV003030023.2), dbSNP rs1014714814, ClinGen allele CA61682568.